The following is an entry in ClinVar:

ClinVar aggregate classification (germline): Uncertain significance. Review status: criteria provided, multiple submitters, no conflicts (2 of 4 stars). 2 submissions from 2 submitters: Uncertain significance (2). Last evaluated 2025-09-10.

Conditions:
CRB1-related disorder. Also called: CRB1-related disorders; CRB1-related condition.

Allele frequency attached by ClinVar (database versions not stated): gnomAD exomes below 0.00001; TOPMed below 0.00001; gnomAD 0.00001.
gnomAD v4.1: 5 of 1,613,924 alleles (0.00031%); highest among the groups gnomAD compares: South Asian, 0.0011%; no homozygotes.

Submissions (2):

PreventionGenetics, part of Exact Sciences
Classification: Uncertain significance for CRB1-related condition. Last evaluated: 2025-09-10. Review status: criteria provided, single submitter. Criteria: ACMG Guidelines, 2015. Collection method: clinical testing. Allele origin: germline.
Comment: The CRB1 c.872G>A variant is predicted to result in the amino acid substitution p.Ser291Asn. To our knowledge, this variant has not been reported in the literature. This variant is present in 0.00088% of alleles in individuals of European (Non-Finnish) descent in gnomAD. At this time, the clinical significance of this variant is uncertain due to the absence of conclusive functional and genetic evidence.

Blueprint Genetics
Classification: Uncertain significance. Last evaluated: 2017-08-10. Review status: criteria provided, single submitter. Criteria: ACMG Guidelines, 2015. Collection method: clinical testing. Allele origin: germline.

NM_201253.3(CRB1):c.872G>A (p.Ser291Asn)

Gene: CRB1 (crumbs cell polarity complex component 1; plus strand). Cytogenetic location: 1q31.3.
Variant type: single nucleotide variant.
Coding change: c.872G>A on transcript NM_201253.3 (MANE Select); coding-DNA position 872, G replaced by A.
Protein change: p.Ser291Asn; replaces serine 291 with asparagine.
Molecular consequence: missense variant. On other transcripts: non-coding transcript variant (2), intron variant (1).
Genome position (GRCh38, 1-based): chr1:197,347,363, G>A. VCF-style: chr1-197347363-G-A. GRCh37 (hg19) VCF-style: chr1-197316493-G-A.
Other names: c.665G>A, p.Ser222Asn (NM_001257965.2); c.872G>A, p.Ser291Asn (NM_001257966.2); c.653-9468G>A (NM_001193640.2); short protein forms S291N, S222N.
Identifiers: ClinVar variation 866455 (VCV000866455.3), dbSNP rs1374962600, ClinGen allele CA344084014.
Genomic context (GRCh38, chr1:197,347,363, plus strand): 5'-ACTAAGAGTTGACATGAAAATTTCATTTACTTTCCAGATATAGCTGTAACTGCACGGGTA[G>A]TGGATTCACAGGGACACACTGTGAGACCTTGATGCCTCTTTGTTGGTCAAAACCTTGTCA-3'
Protein context (NP_957705.1, residues 281-301): ENRYSCNCTG[Ser291Asn]GFTGTHCETL